The following is an entry in ClinVar:

ClinVar aggregate classification (germline): Likely benign. Review status: reviewed by expert panel (3 of 4 stars). 2 submissions from 2 submitters: Likely benign (1). 1 of the submissions does not count toward it. Last evaluated 2025-09-23.

Conditions:
Juvenile retinoschisis (RS1). Also called: X-Linked Juvenile Retinoschisis; X-linked retinoschisis. Identifiers: Orphanet 792, MedGen C3714753, MONDO:0010725, OMIM 312700.

Allele frequency attached by ClinVar (database versions not stated): gnomAD exomes below 0.00001; gnomAD 0.00001; TOPMed 0.00001.
gnomAD v4.1: 4 of 1,198,857 alleles (0.00033%); highest among the groups gnomAD compares: South Asian, 0.0053%; no homozygotes.

Submissions (2):

ClinGen X-linked Inherited Retinal Disease Variant Curation Expert Panel, ClinGen
Classification: Likely benign for Juvenile retinoschisis. Last evaluated: 2025-09-23. Review status: reviewed by expert panel. Criteria: ClinGen X LinkedIRD ACMG Specifications RS1 V1.0.0. Collection method: curation. Allele origin: germline. Inheritance: X-linked inheritance.
Comment: NM_000330.4(RS1):c.177T>C (p.Cys59=) is a synonymous variant at amino acid 59, within exon 3, and does not have predicted splicing impact (BP7). The splicing impact predictor SpliceAI gives a delta score of 0.00, which is below the ClinGen X-linked IRD VCEP recommended threshold of <0.1 and does not strongly predict an impact on splicing (BP4). This variant is present in gnomAD v4.1.0 at a frequency of 0.000007745 among hemizygous individuals, with 3 variant alleles / 387,371 total alleles, which is between the ClinGen X-linked IRD VCEP PM2_Supporting threshold of <0.000002 and BS1 threshold of >0.00002 and fails to meet these criteria. In summary, this variant is classified as likely benign for X-linked retinoschisis based on the ClinGen X-linked Inherited Retinal Disease Expert Panel Specifications to the ACMG/AMP Variant Interpretation Guidelines for RS1 Version 1.0.0: BP4 and BP7.

Labcorp Genetics (formerly Invitae), Labcorp
Classification: Likely benign. Last evaluated: 2021-03-18. Review status: criteria provided, single submitter. Criteria: Invitae Variant Classification Sherloc (09022015). Collection method: clinical testing. Allele origin: germline. Not counted in ClinVar's aggregate classification.

NM_000330.4(RS1):c.177T>C (p.Cys59=)

Gene: RS1 (retinoschisin 1; minus strand). Cytogenetic location: Xp22.13.
Variant type: single nucleotide variant.
Coding change: c.177T>C on transcript NM_000330.4 (MANE Select); coding-DNA position 177, T replaced by C.
Protein change: p.Cys59=; no amino-acid change (cysteine 59 retained).
Molecular consequence: synonymous variant.
Genome position (GRCh38, 1-based): chrX:18,656,660, A>G on the plus strand (T>C on the coding strand, the complement: RS1 is on the minus strand). VCF-style: chrX-18656660-A-G. GRCh37 (hg19) VCF-style: chrX-18674780-A-G.
Other names: NM_000330.4(RS1):c.177T>C; p.Cys59=.
Identifiers: ClinVar variation 1541778 (VCV001541778.9), dbSNP rs1928220468, ClinGen allele CA515477887.